The following is an entry in ClinVar:

ClinVar aggregate classification (germline): Uncertain significance (1 of 4 stars; one submission).

Submission:

GeneDx
Classification: Uncertain significance. Last evaluated: 2025-01-12. Review status: criteria provided, single submitter. Criteria: GeneDx Variant Classification Process June 2021. Collection method: clinical testing. Allele origin: germline. Affected: yes.
Comment: Not observed at significant frequency in large population cohorts (gnomAD); In silico analysis indicates that this missense variant does not alter protein structure/function; Has not been previously published as pathogenic or benign to our knowledge; Also known as p.(E204D)

NM_001243133.2(NLRP3):c.612G>C (p.Glu204Asp)

Gene: NLRP3 (NLR family pyrin domain containing 3; plus strand). Cytogenetic location: 1q44.
Variant type: single nucleotide variant.
Coding change: c.612G>C on transcript NM_001243133.2 (MANE Select); coding-DNA position 612, G replaced by C.
Protein change: p.Glu204Asp; replaces glutamic acid 204 with aspartic acid.
Molecular consequence: missense variant.
Genome position (GRCh38, 1-based): chr1:247,424,061, G>C. VCF-style: chr1-247424061-G-C. GRCh37 (hg19) VCF-style: chr1-247587363-G-C.
Other names: c.612G>C, p.Glu204Asp (NM_001079821.3, NM_001127461.3, NM_001127462.3 and 1 more transcripts); c.618G>C, p.Glu206Asp (NM_004895.5); short protein forms E204D, E206D.
Identifiers: ClinVar variation 4056911 (VCV004056911.1).
Genomic context (GRCh38, chr1:247,424,061, plus strand): 5'-GCTTCTGGCCATCGGCAAGACCAAGACGTGTGAGAGCCCCGTGAGTCCCATTAAGATGGA[G>C]TTGCTGTTTGACCCCGATGATGAGCATTCTGAGCCTGTGCACACCGTGGTGTTCCAGGGG-3'
Protein context (NP_001230062.1, residues 194-214): CESPVSPIKM[Glu204Asp]LLFDPDDEHS